The following is an entry in ClinVar:

ClinVar aggregate classification (germline): Uncertain significance (1 of 4 stars; one submission).

Submission:

Ambry Genetics
Classification: Uncertain significance. Last evaluated: 2024-11-22. Review status: criteria provided, single submitter. Criteria: Ambry Variant Classification Scheme 2023. Collection method: clinical testing. Allele origin: germline.
Comment: The p.K603N variant (also known as c.1809G>C), located in coding exon 12 of the RINT1 gene, results from a G to C substitution at nucleotide position 1809. The lysine at codon 603 is replaced by asparagine, an amino acid with similar properties. This amino acid position is conserved. In addition, this alteration is predicted to be tolerated by in silico analysis. Based on the available evidence, the clinical significance of this variant remains unclear.

NM_021930.6(RINT1):c.1809G>C (p.Lys603Asn)

Gene: RINT1 (RAD50 interactor 1; plus strand). Cytogenetic location: 7q22.3.
Variant type: single nucleotide variant.
Coding change: c.1809G>C on transcript NM_021930.6 (MANE Select); coding-DNA position 1809, G replaced by C.
Protein change: p.Lys603Asn; replaces lysine 603 with asparagine.
Molecular consequence: missense variant. On other transcripts: non-coding transcript variant (1).
Genome position (GRCh38, 1-based): chr7:105,563,870, G>C. VCF-style: chr7-105563870-G-C. GRCh37 (hg19) VCF-style: chr7-105204317-G-C.
Other names: c.1575G>C, p.Lys525Asn (NM_001346599.2); c.786G>C, p.Lys262Asn (NM_001346600.2, NM_001346603.2); c.885G>C, p.Lys295Asn (NM_001346601.2); short protein forms K295N, K262N, K525N, K603N.
Identifiers: ClinVar variation 3433658 (VCV003433658.1).
Genomic context (GRCh38, chr7:105,563,870, plus strand): 5'-GCTAGCCTCTATGGAGAGCTCTGTCTTTGATGACATGATTAACCTCTTAGAACGTTTAAA[G>C]CATGATATGTTGACCCGTCAAGTAGACCACGTTTTTAGAGAAGTTAAAGATGCTGCAAAA-3'
Protein context (NP_068749.3, residues 593-613): DDMINLLERL[Lys603Asn]HDMLTRQVDH